The following is an entry in ClinVar:

ClinVar aggregate classification (germline): Uncertain significance. Review status: criteria provided, multiple submitters, no conflicts (2 of 4 stars). 2 submissions from 2 submitters: Uncertain significance (2). Last evaluated 2024-11-25.

Allele frequency attached by ClinVar (database versions not stated): ExAC 0.00001; gnomAD exomes 0.00002 and 0.00011; gnomAD 0.00005 and 0.00006; TOPMed 0.00005; ESP Exome Variant Server 0.00008.

Submissions (2):

Ambry Genetics
Classification: Uncertain significance. Last evaluated: 2024-11-25. Review status: criteria provided, single submitter. Criteria: Ambry Variant Classification Scheme 2023. Collection method: clinical testing. Allele origin: germline.

Labcorp Genetics (formerly Invitae), Labcorp
Classification: Uncertain significance. Last evaluated: 2022-08-07. Review status: criteria provided, single submitter. Criteria: Invitae Variant Classification Sherloc (09022015). Collection method: clinical testing. Allele origin: germline.
Comment: In summary, the available evidence is currently insufficient to determine the role of this variant in disease. Therefore, it has been classified as a Variant of Uncertain Significance. Algorithms developed to predict the effect of missense changes on protein structure and function are either unavailable or do not agree on the potential impact of this missense change (SIFT: "Not Available"; PolyPhen-2: "Probably Damaging"; Align-GVGD: "Class C65"). ClinVar contains an entry for this variant (Variation ID: 1477191). This variant has not been reported in the literature in individuals affected with CCDC88A-related conditions. This variant is present in population databases (rs200026991, gnomAD 0.006%). This sequence change replaces serine, which is neutral and polar, with phenylalanine, which is neutral and non-polar, at codon 1870 of the CCDC88A protein (p.Ser1870Phe).

NM_001365480.1(CCDC88A):c.5612C>T (p.Ser1871Phe)

Gene: CCDC88A (coiled-coil domain containing 88A; minus strand). Cytogenetic location: 2p16.1.
Variant type: single nucleotide variant.
Coding change: c.5612C>T on transcript NM_001365480.1 (MANE Select); coding-DNA position 5612, C replaced by T.
Protein change: p.Ser1871Phe; replaces serine 1871 with phenylalanine.
Molecular consequence: missense variant.
Genome position (GRCh38, 1-based): chr2:55,291,715, G>A on the plus strand (C>T on the coding strand, the complement: CCDC88A is on the minus strand). VCF-style: chr2-55291715-G-A. GRCh37 (hg19) VCF-style: chr2-55518851-G-A.
Other names: c.5609C>T, p.Ser1870Phe (NM_001135597.2); c.5387C>T, p.Ser1796Phe (NM_001254943.2); c.5528C>T, p.Ser1843Phe (NM_018084.5); c.5609C>T (NM_001135597.1); short protein forms S1796F, S1871F, S1843F, S1870F.
Identifiers: ClinVar variation 1477191 (VCV001477191.5), dbSNP rs200026991, ClinGen allele CA1665236.
Genomic context (GRCh38, chr2:55,291,715, plus strand): 5'-CATTTTAAGCAGGAAACTCACCACTTGGCCCACATGTCATGTAGTGGGTAATAGAATTAG[G>A]AGCTTTGTTGCTCCCTAGACCTGCTTTTTGAATTTCTGCTTTCTTGTACTTTGTCCACAT-3'
Protein context (NP_001352409.1, residues 1861-1871): SKSRSREQQS[Ser1871Phe]